The following is an entry in ClinVar:

ClinVar aggregate classification (germline): Pathogenic. Review status: criteria provided, multiple submitters, no conflicts (2 of 4 stars). 3 submissions from 3 submitters: Pathogenic (3). Last evaluated 2023-08-29.

Conditions:
Familial adenomatous polyposis 4 (FAP4). Also called: MSH3-related attenuated familial adenomatous polyposis. Identifiers: Orphanet 480536, MedGen C4310719, MONDO:0044300, OMIM 617100.
Hereditary cancer-predisposing syndrome. Also called: Tumor predisposition; Hereditary neoplastic syndrome; Neoplastic Syndromes, Hereditary; Hereditary Cancer Syndrome. Identifiers: Orphanet 140162, MedGen C0027672, MeSH D009386, MONDO:0015356.

Submissions (3):

Myriad Genetics, Inc.
Classification: Pathogenic for Familial adenomatous polyposis 4. Last evaluated: 2023-08-29. Review status: criteria provided, single submitter. Criteria: Myriad Autosomal Dominant, Autosomal Recessive and X-Linked Classification Criteria (2023). Collection method: clinical testing. Allele origin: unknown.
Comment: This variant is considered pathogenic. This variant creates a termination codon and is predicted to result in premature protein truncation.

Ambry Genetics
Classification: Pathogenic for Hereditary cancer-predisposing syndrome. Last evaluated: 2022-02-07. Review status: criteria provided, single submitter. Criteria: Ambry Variant Classification Scheme 2023. Collection method: clinical testing. Allele origin: germline.
Comment: The c.827delT pathogenic mutation, located in coding exon 5 of the MSH3 gene, results from a deletion of one nucleotide at nucleotide position 827, causing a translational frameshift with a predicted alternate stop codon (p.L276*). This variant is considered to be rare based on population cohorts in the Genome Aggregation Database (gnomAD). This alteration is expected to result in loss of function by premature protein truncation or nonsense-mediated mRNA decay. As such, this alteration is interpreted as a disease-causing mutation.

Labcorp Genetics (formerly Invitae), Labcorp
Classification: Pathogenic. Last evaluated: 2021-12-14. Review status: criteria provided, single submitter. Criteria: Invitae Variant Classification Sherloc (09022015). Collection method: clinical testing. Allele origin: germline.
Comment: This sequence change creates a premature translational stop signal (p.Leu276*) in the MSH3 gene. It is expected to result in an absent or disrupted protein product. Loss-of-function variants in MSH3 are known to be pathogenic (PMID: 27476653). This variant is not present in population databases (gnomAD no frequency). This variant has not been reported in the literature in individuals affected with MSH3-related conditions. ClinVar contains an entry for this variant (Variation ID: 1074482). For these reasons, this variant has been classified as Pathogenic.

Literature cited by the submitters: PubMed 27476653 (cited by Labcorp Genetics (formerly Invitae), Labcorp).

NM_002439.5(MSH3):c.827del (p.His275_Leu276insTer)

Gene: MSH3 (mutS homolog 3; plus strand). Cytogenetic location: 5q14.1.
Variant type: Deletion.
Coding change: c.827del on transcript NM_002439.5 (MANE Select); coding-DNA position 827, one base deleted (T; older notation c.827delT).
Protein change: p.His275_Leu276insTer.
Molecular consequence: nonsense.
Genome position (GRCh38, 1-based): chr5:80,672,278, T deleted; the last of 3 consecutive T bases (chr5:80,672,276-80,672,278); deleting any one gives the same sequence. VCF-style (leftmost placement, unchanged base first): chr5-80672275-AT-A. GRCh37 (hg19) VCF-style: chr5-79968094-AT-A.
Identifiers: ClinVar variation 1074482 (VCV001074482.10), dbSNP rs2112813769, ClinGen allele CA2499217949.